The following is an entry in ClinVar:

NM_014363.6(SACS):c.973G>A (p.Gly325Arg)

Gene: SACS (sacsin molecular chaperone; minus strand). Cytogenetic location: 13q12.12.
Variant type: single nucleotide variant.
Coding change: c.973G>A on transcript NM_014363.6 (MANE Select); coding-DNA position 973, G replaced by A.
Protein change: p.Gly325Arg; replaces glycine 325 with arginine.
Molecular consequence: missense variant.
Genome position (GRCh38, 1-based): chr13:23,355,639, C>T on the plus strand (G>A on the coding strand, the complement: SACS is on the minus strand). VCF-style: chr13-23355639-C-T. GRCh37 (hg19) VCF-style: chr13-23929778-C-T.
Other names: c.532G>A, p.Gly178Arg (NM_001278055.2); short protein forms G325R, G178R.
Identifiers: ClinVar variation 448230 (VCV000448230.22), dbSNP rs144303334, ClinGen allele CA6911994.

ClinVar aggregate classification (germline): Conflicting classifications of pathogenicity. Review status: criteria provided, conflicting classifications (1 of 4 stars). 6 submissions from 6 submitters: Uncertain significance (4); Benign (2). Last evaluated 2026-01-28.

Conditions:
Spastic paraplegia. Identifiers: MedGen C0037772, HP:0001258.
Charlevoix-Saguenay spastic ataxia (SACS). Also called: SPASTIC ATAXIA 6, AUTOSOMAL RECESSIVE; AUTOSOMAL RECESSIVE SPASTIC ATAXIA OF CHARLEVOIX-SAGUENAY; Spastic ataxia of Charlevoix-Saguenay. Identifiers: Orphanet 98, MedGen C1849140, MONDO:0010041, OMIM 270550.

Allele frequency attached by ClinVar (database versions not stated): 1000 Genomes Project 30x 0.00016; 1000 Genomes Project 0.00020; gnomAD 0.00021; TOPMed 0.00023; ExAC 0.00028; ESP Exome Variant Server 0.00038; gnomAD exomes 0.00039.
gnomAD v4.1: 318 of 1,614,100 alleles (0.02%); highest among the groups gnomAD compares: Non-Finnish European, 0.0053%; 1 homozygote.

Submissions (6):

Labcorp Genetics (formerly Invitae), Labcorp
Classification: Benign for Spastic paraplegia. Last evaluated: 2026-01-28. Review status: criteria provided, single submitter. Criteria: Invitae Variant Classification Sherloc (09022015). Collection method: clinical testing. Allele origin: germline.

Mayo Clinic Laboratories, Mayo Clinic
Classification: Uncertain significance. Last evaluated: 2025-03-05. Review status: criteria provided, single submitter. Criteria: ACMG Guidelines, 2015. Collection method: clinical testing. Allele origin: germline. Observed: 1 variant allele.
Comment: BS1

Athena Diagnostics
Classification: Benign. Last evaluated: 2022-02-02. Review status: criteria provided, single submitter. Criteria: Athena Diagnostics Criteria. Collection method: clinical testing. Allele origin: unknown.

GeneDx
Classification: Uncertain significance. Last evaluated: 2021-11-02. Review status: criteria provided, single submitter. Criteria: GeneDx Variant Classification Process June 2021. Collection method: clinical testing. Allele origin: germline. Affected: yes.
Comment: In silico analysis supports that this missense variant has a deleterious effect on protein structure/function; Has not been previously published as pathogenic or benign to our knowledge; This variant is associated with the following publications: (PMID: 23280630, 19779133)

Genome-Nilou Lab
Classification: Uncertain significance for Charlevoix-Saguenay spastic ataxia. Last evaluated: 2021-07-22. Review status: criteria provided, single submitter. Criteria: ACMG Guidelines, 2015. Collection method: clinical testing. Allele origin: germline. Affected: no.

Illumina Laboratory Services, Illumina
Classification: Uncertain significance for Charlevoix-Saguenay spastic ataxia. Last evaluated: 2017-04-27. Review status: criteria provided, single submitter. Criteria: ICSL Variant Classification Criteria 13 December 2019. Collection method: clinical testing. Allele origin: germline.
Comment: This variant was observed as part of a predisposition screen in an ostensibly healthy population. A literature search was performed for the gene, cDNA change, and amino acid change (where applicable). Publications were found based on this search. However, the evidence from the literature, in combination with allele frequency data from public databases where available, was not sufficient to rule this variant in or out of causing disease. Therefore, this variant is classified as a variant of unknown significance.

Literature cited by the submitters: PubMed 19779133 (cited by Mayo Clinic Laboratories, Mayo Clinic and Illumina Laboratory Services, Illumina).